The following is an entry in ClinVar:

ClinVar aggregate classification (germline): Conflicting classifications of pathogenicity. Review status: criteria provided, conflicting classifications (1 of 4 stars). 2 submissions from 2 submitters: Uncertain significance (1); Likely benign (1). Last evaluated 2025-11-13.

Conditions:
Intellectual developmental disorder, autosomal dominant 1. Also called: Intellectual disability, autosomal dominant 1; MBD5 Haploinsufficiency. Identifiers: Orphanet 228402, MedGen C1969562, MONDO:0007974, OMIM 156200.

Allele frequency attached by ClinVar (database versions not stated): ExAC 0.00002; gnomAD exomes below 0.00001; TOPMed 0.00012.
gnomAD v4.1: 21 of 1,613,502 alleles (0.0013%); highest among the groups gnomAD compares: African/African-American, 0.027%; no homozygotes.

Submissions (2):

Labcorp Genetics (formerly Invitae), Labcorp
Classification: Uncertain significance for Intellectual developmental disorder, autosomal dominant 1. Last evaluated: 2025-11-13. Review status: criteria provided, single submitter. Criteria: Invitae Variant Classification Sherloc (09022015). Collection method: clinical testing. Allele origin: germline.
Comment: This sequence change replaces alanine, which is neutral and non-polar, with aspartic acid, which is acidic and polar, at codon 118 of the MBD5 protein (p.Ala118Asp). This variant is present in population databases (rs765892446, gnomAD 0.01%). This missense change has been observed in individual(s) with autosomal dominant intellectual disability (internal data). ClinVar contains an entry for this variant (Variation ID: 1040069). Invitae Evidence Modeling of protein sequence and biophysical properties (such as structural, functional, and spatial information, amino acid conservation, physicochemical variation, residue mobility, and thermodynamic stability) indicates that this missense variant is not expected to disrupt MBD5 protein function with a negative predictive value of 80%. In summary, the available evidence is currently insufficient to determine the role of this variant in disease. Therefore, it has been classified as a Variant of Uncertain Significance.

GeneDx
Classification: Likely benign. Last evaluated: 2020-12-15. Review status: criteria provided, single submitter. Criteria: GeneDx Variant Classification Process June 2021. Collection method: clinical testing. Allele origin: germline. Affected: yes.

NM_001378120.1(MBD5):c.353C>A (p.Ala118Asp)

Gene: MBD5 (methyl-CpG binding domain protein 5; plus strand). Cytogenetic location: 2q23.1.
Variant type: single nucleotide variant.
Coding change: c.353C>A on transcript NM_001378120.1 (MANE Select); coding-DNA position 353, C replaced by A.
Protein change: p.Ala118Asp; replaces alanine 118 with aspartic acid.
Molecular consequence: missense variant.
Genome position (GRCh38, 1-based): chr2:148,463,875, C>A. VCF-style: chr2-148463875-C-A. GRCh37 (hg19) VCF-style: chr2-149221444-C-A.
Other names: c.353C>A, p.Ala118Asp (NM_018328.5); short protein forms A118D.
Identifiers: ClinVar variation 1040069 (VCV001040069.13), dbSNP rs765892446, ClinGen allele CA1899856.